The following is an entry in ClinVar:

NM_000051.4(ATM):c.5763-7del

Genes: ATM (ATM serine/threonine kinase; plus strand), C11orf65 (chromosome 11 open reading frame 65; minus strand). Cytogenetic location: 11q22.3.
Variant type: Deletion.
Coding change: c.5763-7del on transcript NM_000051.4 (MANE Select); 7 bases into the intron before coding-DNA position 5763, one base deleted (T; older notation c.5763-7delT).
Molecular consequence: intron variant.
Genome position (GRCh38, 1-based): chr11:108,310,153, T deleted; the last of 5 consecutive T bases (chr11:108,310,149-108,310,153); deleting any one gives the same sequence. VCF-style (leftmost placement, unchanged base first): chr11-108310148-AT-A. GRCh37 (hg19) VCF-style: chr11-108180875-AT-A.
Other names: c.5763-7del (NM_001351834.2); c.641-1078del (NM_001330368.2); c.*39-1078del (NM_001351110.2).
Identifiers: ClinVar variation 3254300 (VCV003254300.1), dbSNP rs2547025337.
Genomic context (GRCh38, chr11:108,310,148, plus strand): 5'-TATATCAACATGCTTTTATTTTGATATTGAAGTTTAAAAAAGTGAATGACATTATATCTC[AT>A]TTTTCTTTAGACCTTCTTCAGGAACAATTTTTAATGATGCTTTCTGGCTGGATTTAAATT-3'

ClinVar aggregate classification (germline): Likely benign (1 of 4 stars; one submission).

Conditions:
Familial cancer of breast. Also called: hereditary breast carcinoma; BREAST CANCER, FAMILIAL; Hereditary breast cancer. Identifiers: Orphanet 227535, MedGen C0346153, MONDO:0016419, OMIM 114480. Disease mechanism: loss of function.

Submission:

Myriad Genetics, Inc.
Classification: Likely benign for Familial cancer of breast. Last evaluated: 2024-05-24. Review status: criteria provided, single submitter. Criteria: Myriad Autosomal Dominant, Autosomal Recessive and X-Linked Classification Criteria (2023). Collection method: clinical testing. Allele origin: unknown.
Comment: This variant is considered likely benign. This variant is intronic and is not expected to impact mRNA splicing.